The following is an entry in ClinVar:

NM_015272.5(RPGRIP1L):c.1430T>C (p.Leu477Pro)

Gene: RPGRIP1L (RPGRIP1 like; minus strand). Cytogenetic location: 16q12.2.
Variant type: single nucleotide variant.
Coding change: c.1430T>C on transcript NM_015272.5 (MANE Select); coding-DNA position 1430, T replaced by C.
Protein change: p.Leu477Pro; replaces leucine 477 with proline.
Molecular consequence: missense variant.
Genome position (GRCh38, 1-based): chr16:53,657,604, A>G on the plus strand (T>C on the coding strand, the complement: RPGRIP1L is on the minus strand). VCF-style: chr16-53657604-A-G. GRCh37 (hg19) VCF-style: chr16-53691516-A-G.
Other names: c.1430T>C (NM_015272.4, NM_015272.2); c.1430T>C, p.Leu477Pro (NM_001127897.4, NM_001308334.3, NM_001330538.2); short protein forms L477P.
Identifiers: ClinVar variation 1896955 (VCV001896955.6), dbSNP rs762123566, ClinGen allele CA8057792.

ClinVar aggregate classification (germline): Uncertain significance. Review status: criteria provided, multiple submitters, no conflicts (2 of 4 stars). 3 submissions from 3 submitters: Uncertain significance (2). 1 of the submissions does not count toward it. Last evaluated 2025-08-30.

Conditions:
Meckel-Gruber syndrome. Also called: DYSENCEPHALIA SPLANCHNOCYSTICA; GRUBER SYNDROME; Dysencephalia splachnocystica. Identifiers: Orphanet 564, MedGen C0265215, MONDO:0018921.
Joubert syndrome. Also called: JOUBERT-BOLTSHAUSER SYNDROME; Familial aplasia of the vermis. Identifiers: Orphanet 475, MedGen C5979921, MONDO:0018772.
RPGRIP1L-related disorder. Also called: RPGRIP1L-related disorders; RPGRIP1L-related condition. Identifiers: MedGen CN239416.
Inborn genetic diseases. Identifiers: MedGen C0950123, MeSH D030342.

Allele frequency attached by ClinVar (database versions not stated): ExAC 0.00001; TOPMed 0.00001; gnomAD 0.00002.
gnomAD v4.1: 21 of 1,594,580 alleles (0.0013%); highest among the groups gnomAD compares: Non-Finnish European, 0.0016%; no homozygotes.

Submissions (3):

Ambry Genetics
Classification: Uncertain significance for Inborn genetic diseases. Last evaluated: 2025-08-30. Review status: criteria provided, single submitter. Criteria: Ambry Variant Classification Scheme 2023. Collection method: clinical testing. Allele origin: germline.

Labcorp Genetics (formerly Invitae), Labcorp
Classification: Uncertain significance for Joubert syndrome; Meckel-Gruber syndrome. Last evaluated: 2022-06-13. Review status: criteria provided, single submitter. Criteria: Invitae Variant Classification Sherloc (09022015). Collection method: clinical testing. Allele origin: germline.
Comment: This sequence change replaces leucine, which is neutral and non-polar, with proline, which is neutral and non-polar, at codon 477 of the RPGRIP1L protein (p.Leu477Pro). This variant is present in population databases (rs762123566, gnomAD 0.007%). This variant has not been reported in the literature in individuals affected with RPGRIP1L-related conditions. Algorithms developed to predict the effect of missense changes on protein structure and function are either unavailable or do not agree on the potential impact of this missense change (SIFT: "Deleterious"; PolyPhen-2: "Benign"; Align-GVGD: "Class C15"). In summary, the available evidence is currently insufficient to determine the role of this variant in disease. Therefore, it has been classified as a Variant of Uncertain Significance.

PreventionGenetics, part of Exact Sciences
Classification: Uncertain significance for RPGRIP1L-related condition. Last evaluated: 2024-02-02. Review status: no assertion criteria provided. Collection method: clinical testing. Allele origin: germline. Not counted in ClinVar's aggregate classification.
Comment: The RPGRIP1L c.1430T>C variant is predicted to result in the amino acid substitution p.Leu477Pro. To our knowledge, this variant has not been reported in the literature. This variant is reported in 0.0072% of alleles in individuals of South Asian descent in gnomAD. At this time, the clinical significance of this variant is uncertain due to the absence of conclusive functional and genetic evidence.